The following is an entry in ClinVar:

ClinVar aggregate classification (germline): Conflicting classifications of pathogenicity. Review status: criteria provided, conflicting classifications (1 of 4 stars). 4 submissions from 4 submitters: Uncertain significance (2); Likely benign (1). 1 of the submissions does not count toward it. Last evaluated 2026-01-08.

Conditions:
POLE-related disorder. Also called: POLE-related disorders; POLE-related condition.
Hereditary cancer-predisposing syndrome. Also called: Hereditary Cancer Syndrome; Hereditary neoplastic syndrome; Neoplastic Syndromes, Hereditary; Tumor predisposition. Identifiers: Orphanet 140162, MedGen C0027672, MeSH D009386, MONDO:0015356.

Allele frequency attached by ClinVar (database versions not stated): ExAC 0.00001; gnomAD 0.00002; gnomAD exomes 0.00002.
gnomAD v4.1: 49 of 1,611,234 alleles (0.003%); highest among the groups gnomAD compares: Middle Eastern, 0.033%; no homozygotes.

Submissions (4):

Labcorp Genetics (formerly Invitae), Labcorp
Classification: Uncertain significance. Last evaluated: 2026-01-08. Review status: criteria provided, single submitter. Criteria: Invitae Variant Classification Sherloc (09022015). Collection method: clinical testing. Allele origin: germline.
Comment: This sequence change replaces serine, which is neutral and polar, with leucine, which is neutral and non-polar, at codon 780 of the POLE protein (p.Ser780Leu). This variant is present in population databases (rs778288256, gnomAD 0.006%). This variant has not been reported in the literature in individuals affected with POLE-related conditions. ClinVar contains an entry for this variant (Variation ID: 405696). Invitae Evidence Modeling of protein sequence and biophysical properties (such as structural, functional, and spatial information, amino acid conservation, physicochemical variation, residue mobility, and thermodynamic stability) indicates that this missense variant is not expected to disrupt POLE protein function with a negative predictive value of 80%. In summary, the available evidence is currently insufficient to determine the role of this variant in disease. Therefore, it has been classified as a Variant of Uncertain Significance.

GeneDx
Classification: Uncertain significance. Last evaluated: 2025-01-09. Review status: criteria provided, single submitter. Criteria: GeneDx Variant Classification Process June 2021. Collection method: clinical testing. Allele origin: germline. Affected: yes.
Comment: In silico analysis supports that this missense variant has a deleterious effect on protein structure/function; Has not been previously published as pathogenic or benign to our knowledge; This variant is associated with the following publications: (PMID: 29056344, 20951805)

Ambry Genetics
Classification: Likely benign for Hereditary cancer-predisposing syndrome. Last evaluated: 2024-12-23. Review status: criteria provided, single submitter. Criteria: Ambry Variant Classification Scheme 2023. Collection method: clinical testing. Allele origin: germline.

PreventionGenetics, part of Exact Sciences
Classification: Uncertain significance for POLE-related condition. Last evaluated: 2024-06-03. Review status: no assertion criteria provided. Collection method: clinical testing. Allele origin: germline. Not counted in ClinVar's aggregate classification.
Comment: The POLE c.2339C>T variant is predicted to result in the amino acid substitution p.Ser780Leu. To our knowledge, this variant has not been reported in the literature. This variant is reported in 0.0058% of alleles in individuals of Latino descent in gnomAD and is interpreted as a variant of uncertain significance in ClinVar. At this time, the clinical significance of this variant is uncertain due to the absence of conclusive functional and genetic evidence.

NM_006231.4(POLE):c.2339C>T (p.Ser780Leu)

Gene: POLE (DNA polymerase epsilon, catalytic subunit; minus strand). Cytogenetic location: 12q24.33.
Variant type: single nucleotide variant.
Coding change: c.2339C>T on transcript NM_006231.4 (MANE Select); coding-DNA position 2339, C replaced by T.
Protein change: p.Ser780Leu; replaces serine 780 with leucine.
Molecular consequence: missense variant.
Genome position (GRCh38, 1-based): chr12:132,665,431, G>A on the plus strand (C>T on the coding strand, the complement: POLE is on the minus strand). VCF-style: chr12-132665431-G-A. GRCh37 (hg19) VCF-style: chr12-133242017-G-A.
Other names: c.2339C>T (NM_006231.2); short protein forms S780L.
Identifiers: ClinVar variation 405696 (VCV000405696.16), dbSNP rs778288256, ClinGen allele CA6893583.
Genomic context (GRCh38, chr12:132,665,431, plus strand): 5'-AGCACCTCCATGTTCTTGCAGCGCTTCACCTCAGCCGCGTCGCCCACCTCCACGGCCGCC[G>A]AGAGCTTCTTTTTCCACACCTGAGAAGCACATGAACATGGAGCACCTCACAGATTCTTCC-3'
Protein context (NP_006222.2, residues 770-790): GLHKVWKKKL[Ser780Leu]AAVEVGDAAE